The following is an entry in ClinVar:

ClinVar aggregate classification (germline): Uncertain significance (1 of 4 stars; one submission).

Submission:

GeneDx
Classification: Uncertain significance. Last evaluated: 2024-08-14. Review status: criteria provided, single submitter. Criteria: GeneDx Variant Classification Process June 2021. Collection method: clinical testing. Allele origin: germline. Affected: yes.
Comment: Has not been previously published as pathogenic or benign to our knowledge; Not observed at significant frequency in large population cohorts (gnomAD); In silico analysis supports a deleterious effect on splicing

NM_000089.4(COL1A2):c.2349+4A>G

Gene: COL1A2 (collagen type I alpha 2 chain; plus strand). Cytogenetic location: 7q21.3.
Variant type: single nucleotide variant.
Coding change: c.2349+4A>G on transcript NM_000089.4 (MANE Select); 4 bases into the intron after coding-DNA position 2349, A replaced by G.
Molecular consequence: intron variant.
Genome position (GRCh38, 1-based): chr7:94,421,066, A>G. VCF-style: chr7-94421066-A-G. GRCh37 (hg19) VCF-style: chr7-94050378-A-G.
Identifiers: ClinVar variation 3730918 (VCV003730918.1).